The following is an entry in ClinVar:

NM_001093.4(ACACB):c.7089C>T (p.Phe2363=)

Gene: ACACB (acetyl-CoA carboxylase beta; plus strand). Cytogenetic location: 12q24.11.
Variant type: single nucleotide variant.
Coding change: c.7089C>T on transcript NM_001093.4 (MANE Select); coding-DNA position 7089, C replaced by T.
Protein change: p.Phe2363=; no amino-acid change (phenylalanine 2363 retained).
Molecular consequence: synonymous variant.
Genome position (GRCh38, 1-based): chr12:109,265,256, C>T. VCF-style: chr12-109265256-C-T. GRCh37 (hg19) VCF-style: chr12-109703061-C-T.
Identifiers: ClinVar variation 746881 (VCV000746881.5), dbSNP rs202202415, ClinGen allele CA6775339.

ClinVar aggregate classification (germline): Benign. Review status: criteria provided, single submitter (1 of 4 stars). 2 submissions from 2 submitters: Benign (1). 1 of the submissions does not count toward it. Last evaluated 2018-03-29.

Conditions:
ACACB-related disorder. Also called: ACACB-related condition.

Allele frequency attached by ClinVar (database versions not stated): gnomAD 0.00006 and 0.00048; ESP Exome Variant Server 0.00008; TOPMed 0.00014; ExAC 0.00180; 1000 Genomes Project 0.00300; 1000 Genomes Project 30x 0.00328.
gnomAD v4.1: 1,229 of 1,613,208 alleles (0.076%); highest among the groups gnomAD compares: South Asian, 1.3%; 21 homozygotes.

Submissions (2):

Labcorp Genetics (formerly Invitae), Labcorp
Classification: Benign. Last evaluated: 2018-03-29. Review status: criteria provided, single submitter. Criteria: Invitae Variant Classification Sherloc (09022015). Collection method: clinical testing. Allele origin: germline.

PreventionGenetics, part of Exact Sciences
Classification: Benign for ACACB-related condition. Last evaluated: 2019-02-23. Review status: no assertion criteria provided. Collection method: clinical testing. Allele origin: germline. Not counted in ClinVar's aggregate classification.
Comment: This variant is classified as benign based on ACMG/AMP sequence variant interpretation guidelines (Richards et al. 2015 PMID: 25741868, with internal and published modifications).